The following is an entry in ClinVar:

NM_001378615.1(CC2D2A):c.3617A>G (p.Asp1206Gly)

Genes: CC2D2A (coiled-coil and C2 domain containing 2A; plus strand), FBXL5 (F-box and leucine rich repeat protein 5; minus strand). Cytogenetic location: 4p15.32.
Variant type: single nucleotide variant.
Coding change: c.3617A>G on transcript NM_001378615.1 (MANE Select); coding-DNA position 3617, A replaced by G.
Protein change: p.Asp1206Gly; replaces aspartic acid 1206 with glycine.
Molecular consequence: missense variant.
Genome position (GRCh38, 1-based): chr4:15,574,172, A>G. VCF-style: chr4-15574172-A-G. GRCh37 (hg19) VCF-style: chr4-15575795-A-G.
Other names: c.3617A>G, p.Asp1206Gly (NM_001080522.2); c.3470A>G, p.Asp1157Gly (NM_001378617.1); short protein forms D1206G, D1157G.
Identifiers: ClinVar variation 597439 (VCV000597439.6), dbSNP rs1560189957, ClinGen allele CA356423630.
Genomic context (GRCh38, chr4:15,574,172, plus strand): 5'-AGCATCAGGATGTTTACCAAGTCATATTTTCTTCACAGATTGATGGAACATTTAAAATAG[A>G]TATTCCCCCAGTTCTTCTGGGCTACAGTAAGGAGCGAAATATGATTCTTGAGCGGGGTTT-3'
Protein context (NP_001365544.1, residues 1196-1216): QARIDGTFKI[Asp1206Gly]IPPVLLGYSK

ClinVar aggregate classification (germline): Uncertain significance. Review status: criteria provided, multiple submitters, no conflicts (2 of 4 stars). 2 submissions from 2 submitters: Uncertain significance (2). Last evaluated 2026-06-22.

Conditions:
CC2D2A-related disorder. Also called: CC2D2A-related disorders; CC2D2A-related condition. Identifiers: MedGen CN239313.

Allele frequency attached by ClinVar (database versions not stated): gnomAD exomes below 0.00001.
gnomAD v4.1: 1 of 1,547,330 alleles (0.000065%); highest among the groups gnomAD compares: African/African-American, 0.0014%; no homozygotes.

Submissions (2):

PreventionGenetics, part of Exact Sciences
Classification: Uncertain significance for CC2D2A-related condition. Last evaluated: 2026-06-22. Review status: criteria provided, single submitter. Criteria: ACMG Guidelines, 2015. Collection method: clinical testing. Allele origin: germline.
Comment: The CC2D2A c.3617A>G variant is predicted to result in the amino acid substitution p.Asp1206Gly. To our knowledge, this variant has not been reported in the literature or in a large population database (gnomAD), indicating this variant is rare. At this time, the clinical significance of this variant is uncertain due to the absence of conclusive functional and genetic evidence.

Eurofins Ntd Llc (ga)
Classification: Uncertain significance. Last evaluated: 2018-06-05. Review status: criteria provided, single submitter. Criteria: EGL ClinVar v180209 classification definitions. Collection method: clinical testing. Allele origin: germline. Observed: 1 variant allele, 1 heterozygote.